The following is an entry in ClinVar:

ClinVar aggregate classification (germline): Uncertain significance. Review status: criteria provided, multiple submitters, no conflicts (2 of 4 stars). 2 submissions from 2 submitters: Uncertain significance (2). Last evaluated 2025-11-23.

Conditions:
Inborn genetic diseases. Identifiers: MedGen C0950123, MeSH D030342.
Epilepsy, X-linked 1, with variable learning disabilities and behavior disorders. Also called: X-linked epilepsy-learning disabilities-behavior disorders syndrome. Identifiers: Orphanet 85294, MedGen C5774177, MONDO:0010339, OMIM 300491.

Submissions (2):

Labcorp Genetics (formerly Invitae), Labcorp
Classification: Uncertain significance for Epilepsy, X-linked 1, with variable learning disabilities and behavior disorders. Last evaluated: 2025-11-23. Review status: criteria provided, single submitter. Criteria: Invitae Variant Classification Sherloc (09022015). Collection method: clinical testing. Allele origin: germline.
Comment: This sequence change replaces threonine, which is neutral and polar, with isoleucine, which is neutral and non-polar, at codon 48 of the SYN1 protein (p.Thr48Ile). This variant is not present in population databases (gnomAD no frequency). This variant has not been reported in the literature in individuals affected with SYN1-related conditions. ClinVar contains an entry for this variant (Variation ID: 3451835). An algorithm developed to predict the effect of missense changes on protein structure and function (PolyPhen-2) suggests that this variant is likely to be tolerated. In summary, the available evidence is currently insufficient to determine the role of this variant in disease. Therefore, it has been classified as a Variant of Uncertain Significance.

Ambry Genetics
Classification: Uncertain significance for Inborn genetic diseases. Last evaluated: 2024-12-05. Review status: criteria provided, single submitter. Criteria: Ambry Variant Classification Scheme 2023. Collection method: clinical testing. Allele origin: germline.

NM_006950.3(SYN1):c.143C>T (p.Thr48Ile)

Gene: SYN1 (synapsin I; minus strand). Cytogenetic location: Xp11.23.
Variant type: single nucleotide variant.
Coding change: c.143C>T on transcript NM_006950.3 (MANE Select); coding-DNA position 143, C replaced by T.
Protein change: p.Thr48Ile; replaces threonine 48 with isoleucine.
Molecular consequence: missense variant.
Genome position (GRCh38, 1-based): chrX:47,619,586, G>A on the plus strand (C>T on the coding strand, the complement: SYN1 is on the minus strand). VCF-style: chrX-47619586-G-A. GRCh37 (hg19) VCF-style: chrX-47478985-G-A.
Other names: c.143C>T, p.Thr48Ile (NM_133499.2); short protein forms T48I.
Identifiers: ClinVar variation 3451835 (VCV003451835.2).